The following is an entry in ClinVar:

ClinVar aggregate classification (germline): Pathogenic/Likely pathogenic. Review status: criteria provided, multiple submitters, no conflicts (2 of 4 stars). 2 submissions from 2 submitters: Pathogenic (1); Likely pathogenic (1). Last evaluated 2024-12-18.

Conditions:
PCNT-related disorder. Also called: PCNT-related condition.

Allele frequency attached by ClinVar (database versions not stated): gnomAD exomes below 0.00001 and 0.00001; ExAC 0.00001.
gnomAD v4.1: 10 of 1,614,190 alleles (0.00062%); highest among the groups gnomAD compares: Admixed American, 0.0017%; no homozygotes.

Submissions (2):

PreventionGenetics, part of Exact Sciences
Classification: Likely pathogenic for PCNT-related condition. Last evaluated: 2024-12-18. Review status: criteria provided, single submitter. Criteria: ACMG Guidelines, 2015. Collection method: clinical testing. Allele origin: germline.
Comment: The PCNT c.7819C>T variant is predicted to result in premature protein termination (p.Arg2607*). To our knowledge, this variant has not been reported in the literature in patients with PCNT-related disorders. This variant is reported in 0.00088% of alleles in individuals of European (Non-Finnish) descent in gnomAD. Nonsense variants in PCNT are expected to be pathogenic. This variant is interpreted as likely pathogenic.

GeneDx
Classification: Pathogenic. Last evaluated: 2015-10-13. Review status: criteria provided, single submitter. Criteria: GeneDx Variant Classification (06012015). Collection method: clinical testing. Allele origin: germline. Affected: yes.
Comment: The R2607X pathogenic variant in the PCNT gene has not been reported previously as a pathogenic variant nor as a benign variant, to our knowledge. This variant is predicted to cause loss of normal protein function either through protein truncation or nonsense-mediated mRNA decay. Nonsense and other protein truncating variants downstream of variant have been reported in the Human Gene Mutation Database in association with microcephalic osteodysplastic primordial dwarfism, type II (Stenson et al., 2014), supporting the pathogenicity of more upstream truncating variants. The R2607X variant was not observed in approximately 6500 individuals of European and African American ancestry in the NHLBI Exome Sequencing Project, indicating it is not a common benign variant in these populations. Therefore we interpret R2607X as a pathogenic variant.

NM_006031.6(PCNT):c.7819C>T (p.Arg2607Ter)

Gene: PCNT (pericentrin; plus strand). Cytogenetic location: 21q22.3.
Variant type: single nucleotide variant.
Coding change: c.7819C>T on transcript NM_006031.6 (MANE Select); coding-DNA position 7819, C replaced by T.
Protein change: p.Arg2607Ter; replaces arginine 2607 with a stop codon.
Molecular consequence: nonsense.
Genome position (GRCh38, 1-based): chr21:46,430,138, C>T. VCF-style: chr21-46430138-C-T. GRCh37 (hg19) VCF-style: chr21-47850052-C-T.
Other names: c.7465C>T, p.Arg2489Ter (NM_001315529.2); short protein forms R2607*, R2489*.
Identifiers: ClinVar variation 265364 (VCV000265364.3), dbSNP rs749426946, ClinGen allele CA10080798.